The following is an entry in ClinVar:

NM_001256715.2(DNAAF3):c.643A>C (p.Met215Leu)

Genes: DNAAF3 (dynein axonemal assembly factor 3; minus strand), DNAAF3-AS1 (DNAAF3 antisense RNA 1; plus strand). Cytogenetic location: 19q13.42.
Variant type: single nucleotide variant.
Coding change: c.643A>C on transcript NM_001256715.2 (MANE Select); coding-DNA position 643, A replaced by C.
Protein change: p.Met215Leu; replaces methionine 215 with leucine.
Molecular consequence: missense variant.
Genome position (GRCh38, 1-based): chr19:55,161,663, T>G on the plus strand (A>C on the coding strand, the complement: DNAAF3 is on the minus strand). VCF-style: chr19-55161663-T-G. GRCh37 (hg19) VCF-style: chr19-55673031-T-G.
Other names: c.847A>C, p.Met283Leu (NM_001256714.1); c.481A>C, p.Met161Leu (NM_001256716.2); c.784A>C, p.Met262Leu (NM_178837.4); short protein forms M161L, M215L, M262L, M283L.
Identifiers: ClinVar variation 4532628 (VCV004532628.1).

ClinVar aggregate classification (germline): Uncertain significance (1 of 4 stars; one submission).

gnomAD v4.1: 11 of 1,538,840 alleles (0.00071%); highest among the groups gnomAD compares: Middle Eastern, 0.023%; no homozygotes.

Submission:

GeneDx
Classification: Uncertain significance. Last evaluated: 2025-05-25. Review status: criteria provided, single submitter. Criteria: GeneDx Variant Classification Process June 2021. Collection method: clinical testing. Allele origin: germline. Affected: yes.
Comment: Not observed at significant frequency in large population cohorts (gnomAD); In silico analysis supports that this missense variant has a deleterious effect on protein structure/function; Has not been previously published as pathogenic or benign to our knowledge